The following is an entry in ClinVar:

ClinVar aggregate classification (germline): Likely benign. Review status: criteria provided, multiple submitters, no conflicts (2 of 4 stars). 2 submissions from 2 submitters: Likely benign (2). Last evaluated 2025-09-30.

Allele frequency attached by ClinVar (database versions not stated): TOPMed below 0.00001; gnomAD 0.00001.
gnomAD v4.1: 3 of 1,613,636 alleles (0.00019%); highest among the groups gnomAD compares: Non-Finnish European, 0.00025%; no homozygotes.

Submissions (2):

Labcorp Genetics (formerly Invitae), Labcorp
Classification: Likely benign. Last evaluated: 2025-09-30. Review status: criteria provided, single submitter. Criteria: Invitae Variant Classification Sherloc (09022015). Collection method: clinical testing. Allele origin: germline.

GeneDx
Classification: Likely benign. Last evaluated: 2017-05-19. Review status: criteria provided, single submitter. Criteria: GeneDx Variant Classification (06012015). Collection method: clinical testing. Allele origin: germline. Affected: yes.
Comment: This variant is considered likely benign or benign based on one or more of the following criteria: it is a conservative change, it occurs at a poorly conserved position in the protein, it is predicted to be benign by multiple in silico algorithms, and/or has population frequency not consistent with disease.

NM_001080449.3(DNA2):c.3087G>A (p.Leu1029=)

Gene: DNA2 (DNA replication helicase/nuclease 2; minus strand). Cytogenetic location: 10q21.3.
Variant type: single nucleotide variant.
Coding change: c.3087G>A on transcript NM_001080449.3 (MANE Select); coding-DNA position 3087, G replaced by A.
Protein change: p.Leu1029=; no amino-acid change (leucine 1029 retained).
Molecular consequence: synonymous variant. On other transcripts: non-coding transcript variant (1).
Genome position (GRCh38, 1-based): chr10:68,416,736, C>T on the plus strand (G>A on the coding strand, the complement: DNA2 is on the minus strand). VCF-style: chr10-68416736-C-T. GRCh37 (hg19) VCF-style: chr10-70176493-C-T.
Identifiers: ClinVar variation 509310 (VCV000509310.2), dbSNP rs754444650, ClinGen allele CA469800513.
Genomic context (GRCh38, chr10:68,416,736, plus strand): 5'-CAAATGTGACCATATACAGAAGAAAAAGGATATTAATTTTTCTGAGTTTAAATGATTAAG[C>T]AGCTTCTCCAAAGGAGGATAGCAATTTAGTGAGGGCACACACCCCAGAAGAATCAGTTTA-3'
Protein context (NP_001073918.2, residues 1019-1039): SLNCYPPLEK[Leu1029=]LNHLNSEKLI